The following is an entry in ClinVar:

NM_003098.3(SNTA1):c.22C>G (p.Pro8Ala)

Genes: SNTA1 (syntrophin alpha 1; minus strand), LOC130065680 (ATAC-STARR-seq lymphoblastoid silent region 12812; plus strand). Cytogenetic location: 20q11.21.
Variant type: single nucleotide variant.
Coding change: c.22C>G on transcript NM_003098.3 (MANE Select); coding-DNA position 22, C replaced by G.
Protein change: p.Pro8Ala; replaces proline 8 with alanine.
Molecular consequence: missense variant.
Genome position (GRCh38, 1-based): chr20:33,443,599, G>C on the plus strand (C>G on the coding strand, the complement: SNTA1 is on the minus strand). VCF-style: chr20-33443599-G-C. GRCh37 (hg19) VCF-style: chr20-32031405-G-C.
Other names: p.P8A:CCG>GCG; short protein forms P8A.
Identifiers: ClinVar variation 190902 (VCV000190902.3), dbSNP rs786205840, ClinGen allele CA302237.

ClinVar aggregate classification (germline): Uncertain significance (1 of 4 stars; one submission).

gnomAD v4.1: 1 of 1,236,714 alleles (0.000081%); highest among the groups gnomAD compares: Non-Finnish European, 0.0001%; no homozygotes.

Submission:

GeneDx
Classification: Uncertain significance. Last evaluated: 2022-11-11. Review status: criteria provided, single submitter. Criteria: GeneDx Variant Classification Process June 2021. Collection method: clinical testing. Allele origin: germline. Affected: yes.
Comment: Has not been previously published as pathogenic or benign to our knowledge; Not observed at significant frequency in large population cohorts (gnomAD); In silico analysis supports that this missense variant does not alter protein structure/function